The following is an entry in ClinVar:

ClinVar aggregate classification (germline): Uncertain significance. Review status: criteria provided, multiple submitters, no conflicts (2 of 4 stars). 2 submissions from 2 submitters: Uncertain significance (2). Last evaluated 2024-04-06.

Conditions:
Epidermolysis bullosa simplex 5B, with muscular dystrophy (EBS5B). Also called: Epidermolysis bullosa simplex with muscular dystrophy; EPIDERMOLYSIS BULLOSA SIMPLEX AND LIMB-GIRDLE MUSCULAR DYSTROPHY. Identifiers: Orphanet 257, MedGen C2931072, MONDO:0009181, OMIM 226670.
Epidermolysis bullosa simplex, Ogna type (EBS5A). Also called: Pidermolysis bullosa simplex 5A, Ogna type; EPIDERMOLYSIS BULLOSA SIMPLEX 5A, OGNA TYPE. Identifiers: Orphanet 79401, MedGen C0432317, MONDO:0007555, OMIM 131950.
Epidermolysis bullosa simplex with nail dystrophy (EBS5D). Identifiers: MedGen C4225309, MONDO:0014661, OMIM 616487.
Autosomal recessive limb-girdle muscular dystrophy type 2Q (LGMDR17). Also called: MUSCULAR DYSTROPHY, LIMB-GIRDLE, AUTOSOMAL RECESSIVE 17. Identifiers: Orphanet 254361, MedGen C3150989, MONDO:0013390, OMIM 613723.
Epidermolysis bullosa simplex 5C, with pyloric atresia (EBS5C). Also called: PLEC-Related Epidermolysis Bullosa with Pyloric Atresia; Epidermolysis bullosa simplex with pyloric atresia; PLEC1-Related Epidermolysis Bullosa with Pyloric Atresia. Identifiers: Orphanet 158684, MedGen C2677349, MONDO:0012807, OMIM 612138.

Allele frequency attached by ClinVar (database versions not stated): gnomAD exomes 0.00003; TOPMed 0.00003; gnomAD 0.00004.
gnomAD v4.1: 44 of 1,612,516 alleles (0.0027%); highest among the groups gnomAD compares: Non-Finnish European, 0.0035%; no homozygotes.

Submissions (2):

Labcorp Genetics (formerly Invitae), Labcorp
Classification: Uncertain significance for Autosomal recessive limb-girdle muscular dystrophy type 2Q; Epidermolysis bullosa simplex, Ogna type; Epidermolysis bullosa simplex with nail dystrophy; Epidermolysis bullosa simplex 5C, with pyloric atresia; Epidermolysis bullosa simplex 5B, with muscular dystrophy. Last evaluated: 2024-04-06. Review status: criteria provided, single submitter. Criteria: Invitae Variant Classification Sherloc (09022015). Collection method: clinical testing. Allele origin: germline.
Comment: This sequence change replaces valine, which is neutral and non-polar, with leucine, which is neutral and non-polar, at codon 649 of the PLEC protein (p.Val649Leu). This variant is present in population databases (no rsID available, gnomAD 0.002%). This variant has not been reported in the literature in individuals affected with PLEC-related conditions. ClinVar contains an entry for this variant (Variation ID: 597548). Advanced modeling of protein sequence and biophysical properties (such as structural, functional, and spatial information, amino acid conservation, physicochemical variation, residue mobility, and thermodynamic stability) has been performed at Invitae for this missense variant, however the output from this modeling did not meet the statistical confidence thresholds required to predict the impact of this variant on PLEC protein function. In summary, the available evidence is currently insufficient to determine the role of this variant in disease. Therefore, it has been classified as a Variant of Uncertain Significance.

Eurofins Ntd Llc (ga)
Classification: Uncertain significance. Last evaluated: 2018-06-14. Review status: criteria provided, single submitter. Criteria: EGL ClinVar v180209 classification definitions. Collection method: clinical testing. Allele origin: germline. Observed: 1 variant allele, 1 heterozygote.

NM_201384.3(PLEC):c.1864G>T (p.Val622Leu)

Gene: PLEC (plectin; minus strand). Cytogenetic location: 8q24.3.
Variant type: single nucleotide variant.
Coding change: c.1864G>T on transcript NM_201384.3 (MANE Select); coding-DNA position 1864, G replaced by T.
Protein change: p.Val622Leu; replaces valine 622 with leucine.
Molecular consequence: missense variant.
Genome position (GRCh38, 1-based): chr8:143,932,513, C>A on the plus strand (G>T on the coding strand, the complement: PLEC is on the minus strand). VCF-style: chr8-143932513-C-A. GRCh37 (hg19) VCF-style: chr8-145006681-C-A.
Other names: c.1945G>T, p.Val649Leu (NM_000445.5); c.1822G>T, p.Val608Leu (NM_201378.4); c.1798G>T, p.Val600Leu (NM_201379.3); c.2275G>T, p.Val759Leu (NM_201380.4); c.1768G>T, p.Val590Leu (NM_201381.3); c.1864G>T, p.Val622Leu (NM_201382.4); c.1876G>T, p.Val626Leu (NM_201383.3); short protein forms V608L, V622L, V626L, V600L, V759L, V590L, V649L.
Identifiers: ClinVar variation 597548 (VCV000597548.10), dbSNP rs1356690324, ClinGen allele CA372578482.